The following is an entry in ClinVar:

ClinVar aggregate classification (germline): Uncertain significance (1 of 4 stars; one submission).

Conditions:
ALMS1-related disorder. Also called: ALMS1-related condition.

Submission:

PreventionGenetics, part of Exact Sciences
Classification: Uncertain significance for ALMS1-related condition. Last evaluated: 2023-04-30. Review status: criteria provided, single submitter. Criteria: ACMG Guidelines, 2015. Collection method: clinical testing. Allele origin: germline.
Comment: The ALMS1 c.5987A>G variant is predicted to result in the amino acid substitution p.Lys1996Arg. To our knowledge, this variant has not been reported in the literature. This variant is reported in 0.041% of alleles in individuals of African descent in gnomAD. At this time, the clinical significance of this variant is uncertain due to the absence of conclusive functional and genetic evidence.

NM_001378454.1(ALMS1):c.5984A>G (p.Lys1995Arg)

Gene: ALMS1 (ALMS1 centrosome and basal body associated protein; plus strand). Cytogenetic location: 2p13.1.
Variant type: single nucleotide variant.
Coding change: c.5984A>G on transcript NM_001378454.1 (MANE Select); coding-DNA position 5984, A replaced by G.
Protein change: p.Lys1995Arg; replaces lysine 1995 with arginine.
Molecular consequence: missense variant.
Genome position (GRCh38, 1-based): chr2:73,452,511, A>G. VCF-style: chr2-73452511-A-G. GRCh37 (hg19) VCF-style: chr2-73679638-A-G.
Other names: c.5987A>G, p.Lys1996Arg (NM_015120.4); short protein forms K1995R, K1996R.
Identifiers: ClinVar variation 2634280 (VCV002634280.1), dbSNP rs2466107346, ClinGen allele CA347284254.